The following is an entry in ClinVar:

ClinVar aggregate classification (germline): Uncertain significance. Review status: criteria provided, multiple submitters, no conflicts (2 of 4 stars). 2 submissions from 2 submitters: Uncertain significance (2). Last evaluated 2025-02-09.

Conditions:
Hereditary cancer-predisposing syndrome. Also called: Neoplastic Syndromes, Hereditary; Tumor predisposition; Hereditary Cancer Syndrome; Hereditary neoplastic syndrome. Identifiers: Orphanet 140162, MedGen C0027672, MeSH D009386, MONDO:0015356.
Retinoblastoma (RB1). Also called: RETINOBLASTOMA, SOMATIC. Identifiers: Orphanet 790, MedGen C0035335, MeSH D012175, MONDO:0008380, OMIM 180200, HP:0009919. Disease mechanism: loss of function. Inheritance: Both sporadic and heritable forms are tested..

Submissions (2):

Labcorp Genetics (formerly Invitae), Labcorp
Classification: Uncertain significance for Retinoblastoma. Last evaluated: 2025-02-09. Review status: criteria provided, single submitter. Criteria: Invitae Variant Classification Sherloc (09022015). Collection method: clinical testing. Allele origin: germline.
Comment: This sequence change replaces valine, which is neutral and non-polar, with alanine, which is neutral and non-polar, at codon 520 of the RB1 protein (p.Val520Ala). This variant is not present in population databases (gnomAD no frequency). This variant has not been reported in the literature in individuals affected with RB1-related conditions. ClinVar contains an entry for this variant (Variation ID: 3430843). Invitae Evidence Modeling of protein sequence and biophysical properties (such as structural, functional, and spatial information, amino acid conservation, physicochemical variation, residue mobility, and thermodynamic stability) indicates that this missense variant is not expected to disrupt RB1 protein function with a negative predictive value of 80%. In summary, the available evidence is currently insufficient to determine the role of this variant in disease. Therefore, it has been classified as a Variant of Uncertain Significance.

Ambry Genetics
Classification: Uncertain significance for Hereditary cancer-predisposing syndrome. Last evaluated: 2024-12-02. Review status: criteria provided, single submitter. Criteria: Ambry Variant Classification Scheme 2023. Collection method: clinical testing. Allele origin: germline.
Comment: The p.V520A variant (also known as c.1559T>C), located in coding exon 17 of the RB1 gene, results from a T to C substitution at nucleotide position 1559. The valine at codon 520 is replaced by alanine, an amino acid with similar properties. This amino acid position is highly conserved in available vertebrate species. In addition, the in silico prediction for this alteration is inconclusive. Based on the available evidence, the clinical significance of this variant remains unclear.

NM_000321.3(RB1):c.1559T>C (p.Val520Ala)

Gene: RB1 (RB transcriptional corepressor 1; plus strand). Cytogenetic location: 13q14.2.
Variant type: single nucleotide variant.
Coding change: c.1559T>C on transcript NM_000321.3 (MANE Select); coding-DNA position 1559, T replaced by C.
Protein change: p.Val520Ala; replaces valine 520 with alanine.
Molecular consequence: missense variant.
Genome position (GRCh38, 1-based): chr13:48,381,307, T>C. VCF-style: chr13-48381307-T-C. GRCh37 (hg19) VCF-style: chr13-48955443-T-C.
Other names: c.1559T>C, p.Val520Ala (NM_001407165.1, NM_001407166.1); short protein forms V520A.
Identifiers: ClinVar variation 3430843 (VCV003430843.2).